The following is an entry in ClinVar:

NM_002335.4(LRP5):c.2774G>T (p.Arg925Leu)

Gene: LRP5 (LDL receptor related protein 5; plus strand). Cytogenetic location: 11q13.2.
Variant type: single nucleotide variant.
Coding change: c.2774G>T on transcript NM_002335.4 (MANE Select); coding-DNA position 2774, G replaced by T.
Protein change: p.Arg925Leu; replaces arginine 925 with leucine.
Molecular consequence: missense variant.
Genome position (GRCh38, 1-based): chr11:68,413,959, G>T. VCF-style: chr11-68413959-G-T. GRCh37 (hg19) VCF-style: chr11-68181427-G-T.
Other names: c.1031G>T, p.Arg344Leu (NM_001291902.2); c.2774G>T (NM_002335.3); short protein forms R344L, R925L.
Identifiers: ClinVar variation 1500923 (VCV001500923.10), dbSNP rs373466030, ClinGen allele CA6149732.

ClinVar aggregate classification (germline): Uncertain significance. Review status: criteria provided, multiple submitters, no conflicts (2 of 4 stars). 5 submissions from 5 submitters: Uncertain significance (5). Last evaluated 2025-12-24.

Conditions:
Polycystic liver disease 4 with or without kidney cysts. Identifiers: MedGen C4693479, MONDO:0044327, OMIM 617875.
Exudative vitreoretinopathy 4 (EVR4). Identifiers: Orphanet 891, MedGen C1866176, MONDO:0011151, OMIM 601813.
Osteoporosis with pseudoglioma (OPPG). Also called: osteoporosis-pseudoglioma syndrome. Identifiers: Orphanet 2788, MedGen C0432252, MONDO:0009820, OMIM 259770.
Worth disease. Also called: Autosomal dominant osteosclerosis, Worth type; OSTEOSCLEROSIS, AUTOSOMAL DOMINANT; ENDOSTEAL HYPEROSTOSIS, AUTOSOMAL DOMINANT. Identifiers: Orphanet 2790, MedGen C0432273, MONDO:0007764, OMIM 144750.
Bone mineral density quantitative trait locus 1 (BMND1). Identifiers: MedGen C1866079, OMIM 601884.
Autosomal dominant osteopetrosis 1 (OPTA1). Also called: OSTEOPETROSIS, AUTOSOMAL DOMINANT, TYPE I. Identifiers: Orphanet 2783, MedGen C1843330, MONDO:0011877, OMIM 607634.
LRP5-related disorder. Also called: LRP5-related condition.

gnomAD v4.1: 11 of 1,607,536 alleles (0.00068%); highest among the groups gnomAD compares: Admixed American, 0.017%; no homozygotes.

Submissions (5):

Women's Health and Genetics/Laboratory Corporation of America, LabCorp
Classification: Uncertain significance. Last evaluated: 2025-12-24. Review status: criteria provided, single submitter. Criteria: LabCorp Variant Classification Summary - May 2015. Collection method: clinical testing. Allele origin: germline.
Comment: Variant summary: LRP5 c.2774G>T (p.Arg925Leu) results in a non-conservative amino acid change located in the 3rd EGF-like domain (IPR000742) of the encoded protein sequence. Algorithms developed to predict the effect of missense changes on protein structure and function all suggest that this variant is likely to be disruptive. The variant allele was found at a frequency of 3.3e-05 in 242276 control chromosomes. The available data on variant occurrences in the general population are insufficient to allow any conclusion about variant significance. To our knowledge, no occurrence of c.2774G>T in individuals affected with LRP5-related conditions and no experimental evidence demonstrating its impact on protein function have been reported. ClinVar contains an entry for this variant (Variation ID: 1500923). Based on the evidence outlined above, the variant was classified as uncertain significance.

Labcorp Genetics (formerly Invitae), Labcorp
Classification: Uncertain significance. Last evaluated: 2025-08-20. Review status: criteria provided, single submitter. Criteria: Invitae Variant Classification Sherloc (09022015). Collection method: clinical testing. Allele origin: germline.
Comment: This sequence change replaces arginine, which is basic and polar, with leucine, which is neutral and non-polar, at codon 925 of the LRP5 protein (p.Arg925Leu). This variant is present in population databases (rs373466030, gnomAD 0.02%). This variant has not been reported in the literature in individuals affected with LRP5-related conditions. ClinVar contains an entry for this variant (Variation ID: 1500923). Invitae Evidence Modeling of protein sequence and biophysical properties (such as structural, functional, and spatial information, amino acid conservation, physicochemical variation, residue mobility, and thermodynamic stability) indicates that this missense variant is not expected to disrupt LRP5 protein function with a negative predictive value of 95%. In summary, the available evidence is currently insufficient to determine the role of this variant in disease. Therefore, it has been classified as a Variant of Uncertain Significance.

PreventionGenetics, part of Exact Sciences
Classification: Uncertain significance for LRP5-related condition. Last evaluated: 2025-06-02. Review status: criteria provided, single submitter. Criteria: ACMG Guidelines, 2015. Collection method: clinical testing. Allele origin: germline.
Comment: The LRP5 c.2774G>T variant is predicted to result in the amino acid substitution p.Arg925Leu. To our knowledge, this variant has not been reported in the literature. This variant is reported in 0.023% of alleles in individuals of Latino descent in gnomAD. An alternative missense change at the same amino acid position (p.Arg925Cys) has been reported in a patient with osteoporosis and hyperlipidemia (Saarinen et al 2010. PubMed ID: 19673927). At this time, the clinical significance of the c.2774G>T (p.Arg925Leu) variant is uncertain due to the absence of conclusive functional and genetic evidence.

Fulgent Genetics
Classification: Uncertain significance for Worth disease; Osteoporosis with pseudoglioma; Exudative vitreoretinopathy 4; Bone mineral density quantitative trait locus 1; Autosomal dominant osteopetrosis 1; Polycystic liver disease 4 with or without kidney cysts. Last evaluated: 2024-02-20. Review status: criteria provided, single submitter. Criteria: ACMG Guidelines, 2015. Collection method: clinical testing. Allele origin: germline.

Blueprint Genetics
Classification: Uncertain significance. Last evaluated: 2022-11-30. Review status: criteria provided, single submitter. Criteria: ACMG Guidelines, 2015. Collection method: clinical testing. Allele origin: germline.